The following is an entry in ClinVar:

ClinVar aggregate classification (germline): Uncertain significance. Review status: criteria provided, multiple submitters, no conflicts (2 of 4 stars). 2 submissions from 2 submitters: Uncertain significance (2). Last evaluated 2025-04-01.

Conditions:
Inborn genetic diseases. Identifiers: MedGen C0950123, MeSH D030342.

Allele frequency attached by ClinVar (database versions not stated): gnomAD exomes 0.00001; TOPMed below 0.00001.
gnomAD v4.1: 2 of 1,598,164 alleles (0.00013%); highest among the groups gnomAD compares: Admixed American, 0.0033%; no homozygotes.

Submissions (2):

Ambry Genetics
Classification: Uncertain significance for Inborn genetic diseases. Last evaluated: 2025-04-01. Review status: criteria provided, single submitter. Criteria: Ambry Variant Classification Scheme 2023. Collection method: clinical testing. Allele origin: germline.

Labcorp Genetics (formerly Invitae), Labcorp
Classification: Uncertain significance. Last evaluated: 2021-06-14. Review status: criteria provided, single submitter. Criteria: Invitae Variant Classification Sherloc (09022015). Collection method: clinical testing. Allele origin: germline.
Comment: This sequence change replaces glutamine with histidine at codon 184 of the SZT2 protein (p.Gln184His). The glutamine residue is weakly conserved and there is a small physicochemical difference between glutamine and histidine. This variant is not present in population databases (ExAC no frequency). This variant has not been reported in the literature in individuals with SZT2-related conditions. Algorithms developed to predict the effect of missense changes on protein structure and function are either unavailable or do not agree on the potential impact of this missense change (SIFT: "Deleterious"; PolyPhen-2: "Possibly Damaging"; Align-GVGD: "Class C0"). In summary, the available evidence is currently insufficient to determine the role of this variant in disease. Therefore, it has been classified as a Variant of Uncertain Significance.

NM_001365999.1(SZT2):c.552G>T (p.Gln184His)

Gene: SZT2 (SZT2 subunit of KICSTOR complex; plus strand). Cytogenetic location: 1p34.2.
Variant type: single nucleotide variant.
Coding change: c.552G>T on transcript NM_001365999.1 (MANE Select); coding-DNA position 552, G replaced by T.
Protein change: p.Gln184His; replaces glutamine 184 with histidine.
Molecular consequence: missense variant.
Genome position (GRCh38, 1-based): chr1:43,415,135, G>T. VCF-style: chr1-43415135-G-T. GRCh37 (hg19) VCF-style: chr1-43880806-G-T.
Other names: c.552G>T, p.Gln184His (NM_015284.4); c.552G>T (NM_015284.3); short protein forms Q184H.
Identifiers: ClinVar variation 1371360 (VCV001371360.8), dbSNP rs1395885447, ClinGen allele CA340000883.